The following is an entry in ClinVar:

NM_000051.4(ATM):c.2838+1G>A

Gene: ATM (ATM serine/threonine kinase; plus strand). Cytogenetic location: 11q22.3.
Variant type: single nucleotide variant.
Coding change: c.2838+1G>A on transcript NM_000051.4 (MANE Select); the canonical splice donor site of the intron after coding-DNA position 2838, G replaced by A.
Molecular consequence: splice donor variant.
Genome position (GRCh38, 1-based): chr11:108,268,610, G>A. VCF-style: chr11-108268610-G-A. GRCh37 (hg19) VCF-style: chr11-108139337-G-A.
Other names: c.2838+1G>A (NM_001351834.2).
Identifiers: ClinVar variation 1506993 (VCV001506993.13), dbSNP rs1555083469, ClinGen allele CA382545875.

ClinVar aggregate classification (germline): Pathogenic/Likely pathogenic. Review status: criteria provided, multiple submitters, no conflicts (2 of 4 stars). 5 submissions from 5 submitters: Pathogenic (3); Likely pathogenic (2). Last evaluated 2025-09-25.

Conditions:
Hereditary cancer-predisposing syndrome. Also called: Neoplastic Syndromes, Hereditary; Tumor predisposition; Hereditary Cancer Syndrome; Hereditary neoplastic syndrome. Identifiers: Orphanet 140162, MedGen C0027672, MeSH D009386, MONDO:0015356.
Familial cancer of breast. Also called: BREAST CANCER, FAMILIAL; Hereditary breast cancer; hereditary breast carcinoma. Identifiers: Orphanet 227535, MedGen C0346153, MONDO:0016419, OMIM 114480. Disease mechanism: loss of function.
Ataxia-telangiectasia syndrome (AT). Also called: LOUIS-BAR SYNDROME; Cerebello-oculocutaneous telangiectasia; Immunodeficiency with ataxia telangiectasia; Ataxia telangiectasia (A-T); ATAXIA-TELANGIECTASIA, COMPLEMENTATION GROUP A; ATAXIA-TELANGIECTASIA, FRESNO VARIANT. Identifiers: Orphanet 100, MedGen C0004135, MONDO:0008840, OMIM 208900.

Submissions (5):

Natera, Inc.
Classification: Pathogenic for Ataxia-telangiectasia. Last evaluated: 2025-09-25. Review status: criteria provided, single submitter. Criteria: Natera Variant Classification Schema (03/2026). Collection method: clinical testing. Allele origin: germline.
Comment: The c.2838+1G>A variant in ATM is a canonical splice donor site variant predicted to affect pre-mRNA splicing, which may result in an abnormal transcript and altered protein product. This variant is expected to result in nonsense mediated decay, truncation, or a dysfunctional protein product. This variant is rare in the general population with a frequency below the threshold expected for the associated phenotype(s). This variant has been observed in one or more individuals affected with the associated recessive disease, as either homozygous or compound heterozygous with a second variant (PMID: 12552559). Given the available evidence, this variant is classified as Pathogenic.

Labcorp Genetics (formerly Invitae), Labcorp
Classification: Likely pathogenic for Ataxia-telangiectasia syndrome. Last evaluated: 2025-04-30. Review status: criteria provided, single submitter. Criteria: Invitae Variant Classification Sherloc (09022015). Collection method: clinical testing. Allele origin: germline.
Comment: This sequence change affects a donor splice site in intron 18 of the ATM gene. It is expected to disrupt RNA splicing. Variants that disrupt the donor or acceptor splice site typically lead to a loss of protein function (PMID: 16199547), and loss-of-function variants in ATM are known to be pathogenic (PMID: 23807571, 25614872). This variant is not present in population databases (gnomAD no frequency). Disruption of this splice site has been observed in individual(s) with clinical features of ataxia-telangiectasia (PMID: 12552559, 32531373). This variant is also known as IVS18+1G>A. ClinVar contains an entry for this variant (Variation ID: 1506993). Algorithms developed to predict the effect of sequence changes on RNA splicing suggest that this variant may disrupt the consensus splice site. In summary, the currently available evidence indicates that the variant is pathogenic, but additional data are needed to prove that conclusively. Therefore, this variant has been classified as Likely Pathogenic.

Department of Human Genetics, Hannover Medical School
Classification: Pathogenic for Ataxia-telangiectasia syndrome. Last evaluated: 2024-08-13. Review status: criteria provided, single submitter. Criteria: ACMG Guidelines, 2015. Collection method: clinical testing. Allele origin: germline. Affected: yes.

Myriad Genetics, Inc.
Classification: Likely pathogenic for Familial cancer of breast. Last evaluated: 2024-01-18. Review status: criteria provided, single submitter. Criteria: Myriad Autosomal Dominant, Autosomal Recessive and X-Linked Classification Criteria (2023). Collection method: clinical testing. Allele origin: unknown.
Comment: This variant is considered likely pathogenic. This variant occurs within a consensus splice junction and is predicted to result in abnormal mRNA splicing of either an out-of-frame exon or an in-frame exon necessary for protein stability and/or normal function.

Ambry Genetics
Classification: Pathogenic for Hereditary cancer-predisposing syndrome. Last evaluated: 2023-07-17. Review status: criteria provided, single submitter. Criteria: Ambry Variant Classification Scheme 2023. Collection method: clinical testing. Allele origin: germline.
Comment: The c.2838+1G>A intronic variant results from a G to A substitution one nucleotide after coding exon 17 of the ATM gene. This variant has been detected in conjunction with a ATM pathogenic variant in an individual diagnosed with ataxia telangiectasia (A-T); however, the phase of the two variants was not specified (Buzin CH et al. Hum Mutat, 2003 Feb;21:123-31). This variant has been identified in the homozygous state in an individual with clinical features of A-T (Fusaro M et al. J Allergy Clin Immunol, 2021 02;147:734-737). This nucleotide position is highly conserved in available vertebrate species. In silico splice site analysis predicts that this alteration will weaken the native splice donor site. RNA studies have demonstrated that this alteration results in abnormal splicing in the set of samples tested (Ambry internal data). This variant is considered to be rare based on population cohorts in the Genome Aggregation Database (gnomAD). Alterations that disrupt the canonical splice site are expected to cause aberrant splicing, resulting in an abnormal protein or a transcript that is subject to nonsense-mediated mRNA decay. Based on the supporting evidence, this alteration is interpreted as a disease-causing mutation.

Literature cited by the submitters: PubMed 12552559 (cited by 3 submitters); PubMed 16199547 (cited by Labcorp Genetics (formerly Invitae), Labcorp); PubMed 23807571 (cited by Labcorp Genetics (formerly Invitae), Labcorp); PubMed 25614872 (cited by Labcorp Genetics (formerly Invitae), Labcorp); PubMed 32531373 (cited by Labcorp Genetics (formerly Invitae), Labcorp and Ambry Genetics).